The following is an entry in ClinVar:

NM_001139.3(ALOX12B):c.144G>A (p.Gly48=)

Gene: ALOX12B (arachidonate 12-lipoxygenase, 12R type; minus strand). Cytogenetic location: 17p13.1.
Variant type: single nucleotide variant.
Coding change: c.144G>A on transcript NM_001139.3 (MANE Select); coding-DNA position 144, G replaced by A.
Protein change: p.Gly48=; no amino-acid change (glycine 48 retained).
Molecular consequence: synonymous variant.
Genome position (GRCh38, 1-based): chr17:8,087,299, C>T on the plus strand (G>A on the coding strand, the complement: ALOX12B is on the minus strand). VCF-style: chr17-8087299-C-T. GRCh37 (hg19) VCF-style: chr17-7990617-C-T.
Other names: c.144G>A, p.Gly48= (LRG_1264t1).
Identifiers: ClinVar variation 325926 (VCV000325926.28), dbSNP rs146260899, ClinGen allele CA8367801.

ClinVar aggregate classification (germline): Conflicting classifications of pathogenicity. Review status: criteria provided, conflicting classifications (1 of 4 stars). 3 submissions from 3 submitters: Uncertain significance (1); Benign (1); Likely benign (1). Last evaluated 2026-01-24.

Conditions:
Autosomal recessive congenital ichthyosis 2 (ARCI2). Identifiers: Orphanet 281122, Orphanet 79394, MedGen C3888093, MONDO:0009439, OMIM 242100.

Allele frequency attached by ClinVar (database versions not stated): gnomAD exomes 0.00014 and 0.00031; gnomAD 0.00015 and 0.00016; TOPMed 0.00019; ESP Exome Variant Server 0.00023; ExAC 0.00030.

Submissions (3):

Labcorp Genetics (formerly Invitae), Labcorp
Classification: Benign. Last evaluated: 2026-01-24. Review status: criteria provided, single submitter. Criteria: Invitae Variant Classification Sherloc (09022015). Collection method: clinical testing. Allele origin: germline.

CeGaT Center for Human Genetics Tuebingen
Classification: Likely benign. Last evaluated: 2023-12-01. Review status: criteria provided, single submitter. Criteria: CeGaT Center For Human Genetics Tuebingen Variant Classification Criteria Version 2. Collection method: clinical testing. Allele origin: germline. Affected: yes. Observed: 1 variant allele.
Comment: ALOX12B: BP4, BP7

Illumina Laboratory Services, Illumina
Classification: Uncertain significance for Autosomal recessive congenital ichthyosis 2. Last evaluated: 2018-01-12. Review status: criteria provided, single submitter. Criteria: ICSL Variant Classification Criteria 13 December 2019. Collection method: clinical testing. Allele origin: germline.